The following is an entry in ClinVar:

ClinVar aggregate classification (germline): Uncertain significance (1 of 4 stars; one submission).

Conditions:
FGB-related disorder. Also called: FGB-related condition.

gnomAD v4.1: 6 of 1,614,080 alleles (0.00037%); highest among the groups gnomAD compares: Non-Finnish European, 0.00051%; no homozygotes.

Submission:

PreventionGenetics, part of Exact Sciences
Classification: Uncertain significance for FGB-related condition. Last evaluated: 2026-09-10. Review status: criteria provided, single submitter. Criteria: ACMG Guidelines, 2015. Collection method: clinical testing. Allele origin: germline.
Comment: The FGB c.1143T>A variant is predicted to result in the amino acid substitution p.Asn381Lys. This variant has been reported in an asymptomatic individual with hypofibrinogenemia (Kotlín et al. 2010. PubMed ID: 20640913). This variant has not been reported in a large population database (gnomAD), indicating this variant is rare. At this time, the clinical significance of this variant is uncertain due to the absence of conclusive functional and genetic evidence.

NM_005141.5(FGB):c.1143T>A (p.Asn381Lys)

Gene: FGB (fibrinogen beta chain; plus strand). Cytogenetic location: 4q31.3.
Variant type: single nucleotide variant.
Coding change: c.1143T>A on transcript NM_005141.5 (MANE Select); coding-DNA position 1143, T replaced by A.
Protein change: p.Asn381Lys; replaces asparagine 381 with lysine.
Molecular consequence: missense variant. On other transcripts: intron variant (1).
Genome position (GRCh38, 1-based): chr4:154,569,698, T>A. VCF-style: chr4-154569698-T-A. GRCh37 (hg19) VCF-style: chr4-155490850-T-A.
Other names: c.966T>A, p.Asn322Lys (NM_001184741.1); c.1011T>A, p.Asn337Lys (NM_001382759.1); c.1143T>A, p.Asn381Lys (NM_001382760.1, NM_001382761.1, NM_001382765.1); c.843T>A, p.Asn281Lys (NM_001382762.1); c.1134T>A, p.Asn378Lys (NM_001382763.1); c.1080+63T>A (NM_001382764.1); short protein forms N322K, N378K, N381K, N281K, N337K.
Identifiers: ClinVar variation 4995898 (VCV004995898.1).